The following is an entry in ClinVar:

ClinVar aggregate classification (germline): Benign (1 of 4 stars; one submission).

Conditions:
Hypomyelination and Congenital Cataract (HLD5). Also called: hypomyelinating leukodystrophy 5. Identifiers: Orphanet 85163, MedGen C1864663, MONDO:0012514, OMIM 610532.

Allele frequency attached by ClinVar (database versions not stated): 1000 Genomes Project 30x 0.05887; 1000 Genomes Project 0.05970; TOPMed 0.06600; gnomAD 0.06987 and 0.07214; gnomAD exomes 0.11029.
gnomAD v4.1: 10,663 of 152,596 alleles (7%); highest among the groups gnomAD compares: African/African-American, 11%; 457 homozygotes.

Submission:

Illumina Laboratory Services, Illumina
Classification: Benign for Hypomyelination and Congenital Cataract. Last evaluated: 2018-01-13. Review status: criteria provided, single submitter. Criteria: ICSL Variant Classification Criteria 13 December 2019. Collection method: clinical testing. Allele origin: germline.
Comment: This variant was observed in the ICSL laboratory as part of a predisposition screen in an ostensibly healthy population. It had not been previously curated by ICSL or reported in the Human Gene Mutation Database (HGMD: prior to June 1st, 2018), and was therefore a candidate for classification through an automated scoring system. Utilizing variant allele frequency, disease prevalence and penetrance estimates, and inheritance mode, an automated score was calculated to assess if this variant is too frequent to cause the disease. Based on the score and internal cut-off values, a variant classified as benign is not then subjected to further curation. The score for this variant resulted in a classification of benign for this disease.

NM_032581.4(HYCC1):c.*1969G>A

Gene: HYCC1 (hyccin PI4KA lipid kinase complex subunit 1; minus strand). Cytogenetic location: 7p15.3.
Variant type: single nucleotide variant.
Coding change: c.*1969G>A on transcript NM_032581.4 (MANE Select); 1969 bases downstream of the stop codon, G replaced by A.
Molecular consequence: 3 prime UTR variant.
Genome position (GRCh38, 1-based): chr7:22,943,620, C>T on the plus strand (G>A on the coding strand, the complement: HYCC1 is on the minus strand). VCF-style: chr7-22943620-C-T. GRCh37 (hg19) VCF-style: chr7-22983239-C-T.
Other names: c.*2571G>A (NM_001363466.2); c.*2529G>A (NM_001363467.2).
Identifiers: ClinVar variation 359739 (VCV000359739.5), dbSNP rs77738949, ClinGen allele CA10628771.